The following is an entry in ClinVar:

ClinVar aggregate classification (germline): Uncertain significance. Review status: criteria provided, multiple submitters, no conflicts (2 of 4 stars). 3 submissions from 3 submitters: Uncertain significance (3). Last evaluated 2025-09-25.

Conditions:
Familial cold autoinflammatory syndrome 3 (FCAS3). Also called: FAMILIAL ATYPICAL COLD URTICARIA; ANTIBODY DEFICIENCY AND IMMUNE DYSREGULATION, PLCG2-ASSOCIATED. Identifiers: Orphanet 300359, MedGen C3280914, MONDO:0013766, OMIM 614468.
Inborn genetic diseases. Identifiers: MedGen C0950123, MeSH D030342.

Allele frequency attached by ClinVar (database versions not stated): ExAC 0.00002; gnomAD 0.00002 and 0.00003; gnomAD exomes 0.00002 and 0.00003; TOPMed 0.00003; ESP Exome Variant Server 0.00008.
gnomAD v4.1: 32 of 1,612,526 alleles (0.002%); highest among the groups gnomAD compares: South Asian, 0.0077%; no homozygotes.

Submissions (3):

Ambry Genetics
Classification: Uncertain significance for Inborn genetic diseases. Last evaluated: 2025-09-25. Review status: criteria provided, single submitter. Criteria: Ambry Variant Classification Scheme 2023. Collection method: clinical testing. Allele origin: germline.

Labcorp Genetics (formerly Invitae), Labcorp
Classification: Uncertain significance for Familial cold autoinflammatory syndrome 3. Last evaluated: 2024-05-30. Review status: criteria provided, single submitter. Criteria: Invitae Variant Classification Sherloc (09022015). Collection method: clinical testing. Allele origin: germline.
Comment: This sequence change replaces methionine, which is neutral and non-polar, with isoleucine, which is neutral and non-polar, at codon 311 of the PLCG2 protein (p.Met311Ile). This variant is present in population databases (rs368534849, gnomAD 0.01%). This variant has not been reported in the literature in individuals affected with PLCG2-related conditions. ClinVar contains an entry for this variant (Variation ID: 1045041). Algorithms developed to predict the effect of missense changes on protein structure and function output the following: SIFT: "Not Available"; PolyPhen-2: "Benign"; Align-GVGD: "Not Available". The isoleucine amino acid residue is found in multiple mammalian species, which suggests that this missense change does not adversely affect protein function. In summary, the available evidence is currently insufficient to determine the role of this variant in disease. Therefore, it has been classified as a Variant of Uncertain Significance.

CeGaT Center for Human Genetics Tuebingen
Classification: Uncertain significance. Last evaluated: 2022-01-01. Review status: criteria provided, single submitter. Criteria: CeGaT Center For Human Genetics Tuebingen Variant Classification Criteria Version 2. Collection method: clinical testing. Allele origin: germline. Affected: yes. Observed: 1 variant allele.

NM_002661.5(PLCG2):c.933G>A (p.Met311Ile)

Gene: PLCG2 (phospholipase C gamma 2; plus strand). Cytogenetic location: 16q23.3.
Variant type: single nucleotide variant.
Coding change: c.933G>A on transcript NM_002661.5 (MANE Select); coding-DNA position 933, G replaced by A.
Protein change: p.Met311Ile; replaces methionine 311 with isoleucine.
Molecular consequence: missense variant.
Genome position (GRCh38, 1-based): chr16:81,891,537, G>A. VCF-style: chr16-81891537-G-A. GRCh37 (hg19) VCF-style: chr16-81925142-G-A.
Other names: c.933G>A (NM_002661.3); short protein forms M311I.
Identifiers: ClinVar variation 1045041 (VCV001045041.40), dbSNP rs368534849, ClinGen allele CA8193515.